The following is an entry in ClinVar:

NM_000141.5(FGFR2):c.874A>G (p.Lys292Glu)

Gene: FGFR2 (fibroblast growth factor receptor 2; minus strand). Cytogenetic location: 10q26.13.
Variant type: single nucleotide variant.
Coding change: c.874A>G on transcript NM_000141.5 (MANE Select); coding-DNA position 874, A replaced by G.
Protein change: p.Lys292Glu; replaces lysine 292 with glutamic acid.
Molecular consequence: missense variant. On other transcripts: non-coding transcript variant (1), intron variant (1).
Genome position (GRCh38, 1-based): chr10:121,520,044, T>C on the plus strand (A>G on the coding strand, the complement: FGFR2 is on the minus strand). VCF-style: chr10-121520044-T-C. GRCh37 (hg19) VCF-style: chr10-123279558-T-C.
Other names: c.874A>G, p.Lys292Glu (NM_001144913.1, NM_001144917.2, NM_001320658.2 and 1 more transcripts); c.607A>G, p.Lys203Glu (NM_001144915.2, NM_001144919.2, NM_023029.3); c.529A>G, p.Lys177Glu (NM_001144916.2, NM_001144918.2); c.190A>G, p.Lys64Glu (NM_001320654.2); c.749-4725A>G (NM_001144914.1); short protein forms K292E, K177E, K203E, K64E.
Identifiers: ClinVar variation 13282 (VCV000013282.6), dbSNP rs121918500, ClinGen allele CA280183.

ClinVar aggregate classification (germline): Likely pathogenic. Review status: criteria provided, single submitter (1 of 4 stars). 2 submissions from 2 submitters: Likely pathogenic (1). 1 of the submissions does not count toward it. Last evaluated 2022-05-04.

Conditions:
FGFR2-related craniosynostosis. Identifiers: MedGen CN231480.
Crouzon syndrome. Also called: CRANIOFACIAL DYSOSTOSIS, TYPE I; Craniofacial dysostosis; Craniofacial dysostosis type 1; Crouzon craniofacial dysostosis; Crouzon disease. Identifiers: Orphanet 207, MedGen C0010273, MeSH D003394, MONDO:0007405, OMIM 123500, HP:0004439.

Submissions (2):

Labcorp Genetics (formerly Invitae), Labcorp
Classification: Likely pathogenic for FGFR2-related craniosynostosis. Last evaluated: 2022-05-04. Review status: criteria provided, single submitter. Criteria: Invitae Variant Classification Sherloc (09022015). Collection method: clinical testing. Allele origin: germline.
Comment: This variant is not present in population databases (gnomAD no frequency). This missense change has been observed in individuals with clinical features of Crouzon syndrome (PMID: 9152842, 25271085; Invitae). It has also been observed to segregate with disease in related individuals. ClinVar contains an entry for this variant (Variation ID: 13282). Algorithms developed to predict the effect of missense changes on protein structure and function are either unavailable or do not agree on the potential impact of this missense change (SIFT: "Deleterious"; PolyPhen-2: "Benign"; Align-GVGD: "Class C15"). In summary, the currently available evidence indicates that the variant is pathogenic, but additional data are needed to prove that conclusively. Therefore, this variant has been classified as Likely Pathogenic. This sequence change replaces lysine, which is basic and polar, with glutamic acid, which is acidic and polar, at codon 292 of the FGFR2 protein (p.Lys292Glu).

OMIM
Classification: Pathogenic for CROUZON SYNDROME. Last evaluated: 1997-05-01. Review status: no assertion criteria provided. Collection method: literature only. Allele origin: germline. Not counted in ClinVar's aggregate classification.

Literature cited by the submitters: PubMed 9152842 (cited by Labcorp Genetics (formerly Invitae), Labcorp and OMIM); PubMed 25271085 (cited by Labcorp Genetics (formerly Invitae), Labcorp).